The following is an entry in ClinVar:

ClinVar aggregate classification (germline): Pathogenic. Review status: criteria provided, single submitter (1 of 4 stars). 2 submissions from 2 submitters: Pathogenic (1). 1 of the submissions does not count toward it. Last evaluated 2024-06-07.

Conditions:
Mucopolysaccharidosis, MPS-II (MPS2). Also called: IDS deficiency; Sulfoiduronate sulfatase deficiency; SIDS deficiency; Mucopolysaccharidosis type 2; Mucopolysaccharidosis Type II; Attenuated MPS (subtype; formerly known as mild MPS II). Identifiers: Orphanet 580, Orphanet 79388, MedGen C0026705, MONDO:0010674, OMIM 309900.

Submissions (2):

Laboratory of Diagnosis and Therapy of Lysosomal Disorders, University of Padova
Classification: Pathogenic for Mucopolysaccharidosis, MPS-II. Last evaluated: 2024-06-07. Review status: criteria provided, single submitter. Criteria: ACMG Guidelines, 2015. Collection method: literature only. Allele origin: germline. Affected: yes. Observed: 1 variant allele.
Comment: Located in a mutational hot spot and/or critical functional domain (PM1_Moderate), Absent from controls (or at low frequency) in gnomAD database (PM2_Moderate), Missense variant in a gene with a low rate of benign missense variation (PP2_Supporting), Multiple lines of computational evidence support a deleterious effect (PP3_Supporting), Patient’s phenotype or family history highly specific for the disease (PP4_Strong)

Classification method: ACMG Guidelines [PMID:25741868] with modifications

Laboratory of Inherited Metabolic Diseases, Research centre for medical genetics
Classification: Pathogenic for Mucopolysaccharidosis, type II; MPS2. Review status: no assertion criteria provided. Collection method: research. Allele origin: germline. Affected: yes. Not counted in ClinVar's aggregate classification.

Literature cited by the submitters: PubMed 33676511 (cited by Laboratory of Diagnosis and Therapy of Lysosomal Disorders, University of Padova).

NM_000202.8(IDS):c.512G>A (p.Cys171Tyr)

Genes: IDS (iduronate 2-sulfatase; minus strand), LOC106050102 (IDS recombination region; plus strand). Cytogenetic location: Xq28.
Variant type: single nucleotide variant.
Coding change: c.512G>A on transcript NM_000202.8 (MANE Select); coding-DNA position 512, G replaced by A.
Protein change: p.Cys171Tyr; replaces cysteine 171 with tyrosine.
Molecular consequence: missense variant. On other transcripts: non-coding transcript variant (1).
Genome position (GRCh38, 1-based): chrX:149,498,303, C>T on the plus strand (G>A on the coding strand, the complement: IDS is on the minus strand). VCF-style: chrX-149498303-C-T. GRCh37 (hg19) VCF-style: chrX-148579834-C-T.
Other names: c.242G>A, p.Cys81Tyr (NM_001166550.4); c.512G>A, p.Cys171Tyr (NM_006123.5); short protein forms C171Y, C81Y.
Identifiers: ClinVar variation 988675 (VCV000988675.3), dbSNP rs2089452802, ClinGen allele CA414522598.
Genomic context (GRCh38, chrX:149,498,303, plus strand): 5'-ACATCCAGCACATCCACAGGGCAAAGCAGGTTGGCATGGAGTTCTCCATCTGGCCCTCGA[C>T]ATGTCTTTCAAAACAAAATAATATAACATCAGCTTTTTAAGTGCAAGAAATGAAGCCATG-3'
Protein context (NP_000193.1, residues 161-181): SSEKYENTKT[Cys171Tyr]RGPDGELHAN